The following is an entry in ClinVar:

NM_020975.6(RET):c.2608-19G>T

Gene: RET (ret proto-oncogene; plus strand). Cytogenetic location: 10q11.21.
Variant type: single nucleotide variant.
Coding change: c.2608-19G>T on transcript NM_020975.6 (MANE Select); 19 bases into the intron before coding-DNA position 2608, G replaced by T.
Molecular consequence: intron variant.
Genome position (GRCh38, 1-based): chr10:43,120,062, G>T. VCF-style: chr10-43120062-G-T. GRCh37 (hg19) VCF-style: chr10-43615510-G-T.
Other names: c.2608-19G>T (NM_001406744.1, NM_001406759.1, NM_001406760.1 and 2 more transcripts); c.2473-19G>T (NM_001406765.1, NM_001406763.1); c.2212-19G>T (NM_001406772.1, NM_001406769.1); c.2170-19G>T (NM_001406773.1, NM_001406771.1); c.1711-19G>T (NM_001406782.1, NM_001406780.1, NM_001406779.1 and 1 more transcripts); c.1576-19G>T (NM_001406787.1); c.1591-19G>T (NM_001406785.1); c.2479-19G>T (NM_001406764.1, NM_001406762.1, NM_001406761.1); and 10 more.
Identifiers: ClinVar variation 3904569 (VCV003904569.2).

ClinVar aggregate classification (germline): Likely benign. Review status: criteria provided, multiple submitters, no conflicts (2 of 4 stars). 2 submissions from 2 submitters: Likely benign (2). Last evaluated 2026-01-07.

Conditions:
Multiple endocrine neoplasia, type 2 (MEN2). Identifiers: Orphanet 653, MedGen C4048306, MONDO:0019003. Disease mechanism: gain of function.
Multiple endocrine neoplasia type 2A. Also called: Multiple Endocrine Neoplasia Type 2A (MEN2A); MULTIPLE ENDOCRINE NEOPLASIA, TYPE IIA; PTC SYNDROME; SIPPLE SYNDROME; MEN 2A; MEN-2A syndrome. Identifiers: Orphanet 247698, Orphanet 653, MedGen C0025268, MeSH D018813, MONDO:0008234, OMIM 171400.

gnomAD v4.1: 1 of 1,613,108 alleles (0.000062%); highest among the groups gnomAD compares: Non-Finnish European, 0.000085%; no homozygotes.

Submissions (2):

Labcorp Genetics (formerly Invitae), Labcorp
Classification: Likely benign for Multiple endocrine neoplasia, type 2. Last evaluated: 2026-01-07. Review status: criteria provided, single submitter. Criteria: Invitae Variant Classification Sherloc (09022015). Collection method: clinical testing. Allele origin: germline.

Myriad Genetics, Inc.
Classification: Likely benign for Multiple endocrine neoplasia type 2A. Last evaluated: 2025-02-27. Review status: criteria provided, single submitter. Criteria: Myriad Autosomal Dominant, Autosomal Recessive and X-Linked Classification Criteria (2023). Collection method: clinical testing. Allele origin: unknown.
Comment: This variant is considered likely benign. This variant is intronic and is not expected to impact mRNA splicing.